The following is an entry in ClinVar:

NM_002485.5(NBN):c.786C>G (p.Phe262Leu)

Gene: NBN (nibrin; minus strand). Cytogenetic location: 8q21.3.
Variant type: single nucleotide variant.
Coding change: c.786C>G on transcript NM_002485.5 (MANE Select); coding-DNA position 786, C replaced by G.
Protein change: p.Phe262Leu; replaces phenylalanine 262 with leucine.
Molecular consequence: missense variant.
Genome position (GRCh38, 1-based): chr8:89,970,474, G>C on the plus strand (C>G on the coding strand, the complement: NBN is on the minus strand). VCF-style: chr8-89970474-G-C. GRCh37 (hg19) VCF-style: chr8-90982702-G-C.
Other names: c.540C>G, p.Phe180Leu (NM_001024688.3); short protein forms F262L, F180L.
Identifiers: ClinVar variation 630446 (VCV000630446.18), dbSNP rs372159380, ClinGen allele CA371658650.
Genomic context (GRCh38, chr8:89,970,474, plus strand): 5'-AATTAAGGTCTGTGAGTTTGTTATTCCTGTATCAACAACACACGTTCCCGGAGCCAAAAA[G>C]AAATTATGTTCTTCTTCATTCTCTTCTGTTATCAACCTAGCTTCCCCACCTCCAAAGACA-3'
Protein context (NP_002476.2, residues 252-272): ITEENEEEHN[Phe262Leu]FLAPGTCVVD

ClinVar aggregate classification (germline): Conflicting classifications of pathogenicity. Review status: criteria provided, conflicting classifications (1 of 4 stars). 3 submissions from 3 submitters: Uncertain significance (2); Likely benign (1). Last evaluated 2024-02-27.

Conditions:
Microcephaly, normal intelligence and immunodeficiency (NBS). Also called: Immunodeficiency, microcephaly with normal intelligence; SEEMANOVA SYNDROME II; Nijmegen breakage syndrome; Microcephaly with normal intelligence immunodeficiency and lymphoreticular malignancies; Nonsyndromal microcephaly autosomal recessive with normal intelligence; Seemanova syndrome 2. Identifiers: Orphanet 647, MedGen C0398791, MONDO:0009623, OMIM 251260.
Hereditary cancer-predisposing syndrome. Also called: Hereditary Cancer Syndrome; Neoplastic Syndromes, Hereditary; Tumor predisposition; Hereditary neoplastic syndrome. Identifiers: Orphanet 140162, MedGen C0027672, MeSH D009386, MONDO:0015356.

Submissions (3):

Ambry Genetics
Classification: Likely benign for Hereditary cancer-predisposing syndrome. Last evaluated: 2024-02-27. Review status: criteria provided, single submitter. Criteria: Ambry Variant Classification Scheme 2023. Collection method: clinical testing. Allele origin: germline.

Labcorp Genetics (formerly Invitae), Labcorp
Classification: Uncertain significance for Microcephaly, normal intelligence and immunodeficiency. Last evaluated: 2023-05-22. Review status: criteria provided, single submitter. Criteria: Invitae Variant Classification Sherloc (09022015). Collection method: clinical testing. Allele origin: germline.
Comment: In summary, the available evidence is currently insufficient to determine the role of this variant in disease. Therefore, it has been classified as a Variant of Uncertain Significance. An algorithm developed to predict the effect of missense changes on protein structure and function (PolyPhen-2) suggests that this variant is likely to be tolerated. ClinVar contains an entry for this variant (Variation ID: 630446). This variant has not been reported in the literature in individuals affected with NBN-related conditions. This sequence change replaces phenylalanine, which is neutral and non-polar, with leucine, which is neutral and non-polar, at codon 262 of the NBN protein (p.Phe262Leu). This variant is not present in population databases (gnomAD no frequency).

Genome-Nilou Lab
Classification: Uncertain significance for Microcephaly, normal intelligence and immunodeficiency. Last evaluated: 2021-11-07. Review status: criteria provided, single submitter. Criteria: ACMG Guidelines, 2015. Collection method: clinical testing. Allele origin: germline. Affected: no.